The following is an entry in ClinVar:

NM_000051.4(ATM):c.4493_4494insSVAelement

Gene: ATM (ATM serine/threonine kinase; plus strand). Cytogenetic location: 11q22.3.
Variant type: Insertion.
Coding change: c.4493_4494insSVAelement on transcript NM_000051.4; coding-DNA positions 4493 to 4494, an insertion.
Other names: NM_000051.3:c.4493_4494insSVA.
Identifiers: ClinVar variation 870245 (VCV000870245.1), dbSNP rs2082862502.

ClinVar aggregate classification (germline): Pathogenic (1 of 4 stars; one submission).

Conditions:
Ataxia-telangiectasia syndrome (AT). Also called: Cerebello-oculocutaneous telangiectasia; Immunodeficiency with ataxia telangiectasia; Ataxia-telangiectasia, complementation group D; AT, COMPLEMENTATION GROUP C; Ataxia-telangiectasia; LOUIS-BAR SYNDROME. Identifiers: Orphanet 100, MedGen C0004135, MONDO:0008840, OMIM 208900.

Submission:

Labcorp Genetics (formerly Invitae), Labcorp
Classification: Pathogenic for Ataxia-telangiectasia syndrome. Last evaluated: 2019-04-26. Review status: criteria provided, single submitter. Criteria: Invitae Variant Classification Sherloc (09022015). Collection method: clinical testing. Allele origin: germline.
Comment: This sequence change inserts a large fragment of DNA, likely a transposable element, in exon 30 of the ATM gene (c.4493_4494insSVA), causing a frameshift at codon 1498 (p.Leu1498fs). The exact size and sequence of the insertion cannot be determined by the current assay. However, the insertion is expected to result in an absent or disrupted protein product. This variant has not been reported in the literature in individuals with ATM-related conditions. Retrotransposon insertions including LINE1 (L1), Alu, and SVA (SINE-VNTR-Alu) have been reported to be disease-causing through disruption of either a coding region or splice site (PMID: 19763152, 20307669, 22406018) and loss-of-function variants in ATM are known to be pathogenic (PMID: 23807571, 25614872). For these reasons, this variant has been classified as Pathogenic.

Literature cited by the submitters: PubMed 25614872; PubMed 20307669; PubMed 22406018; PubMed 23807571; PubMed 19763152.